The following is an entry in ClinVar:

ClinVar aggregate classification (germline): Uncertain significance (1 of 4 stars; one submission).

Conditions:
Nemaline myopathy 6 (NEM6). Also called: Nemaline myopathy 6, autosomal dominant. Identifiers: Orphanet 171439, MedGen C1836472, MONDO:0012237, OMIM 609273.

Submission:

Labcorp Genetics (formerly Invitae), Labcorp
Classification: Uncertain significance for Nemaline myopathy 6. Last evaluated: 2024-08-28. Review status: criteria provided, single submitter. Criteria: Invitae Variant Classification Sherloc (09022015). Collection method: clinical testing. Allele origin: germline.
Comment: This sequence change replaces leucine, which is neutral and non-polar, with arginine, which is basic and polar, at codon 24 of the KBTBD13 protein (p.Leu24Arg). This variant is not present in population databases (gnomAD no frequency). This variant has not been reported in the literature in individuals affected with KBTBD13-related conditions. Invitae Evidence Modeling of protein sequence and biophysical properties (such as structural, functional, and spatial information, amino acid conservation, physicochemical variation, residue mobility, and thermodynamic stability) indicates that this missense variant is not expected to disrupt KBTBD13 protein function with a negative predictive value of 80%. In summary, the available evidence is currently insufficient to determine the role of this variant in disease. Therefore, it has been classified as a Variant of Uncertain Significance.

NM_001101362.3(KBTBD13):c.71T>G (p.Leu24Arg)

Gene: KBTBD13 (kelch repeat and BTB domain containing 13; plus strand). Cytogenetic location: 15q22.31.
Variant type: single nucleotide variant.
Coding change: c.71T>G on transcript NM_001101362.3 (MANE Select); coding-DNA position 71, T replaced by G.
Protein change: p.Leu24Arg; replaces leucine 24 with arginine.
Molecular consequence: missense variant.
Genome position (GRCh38, 1-based): chr15:65,076,886, T>G. VCF-style: chr15-65076886-T-G. GRCh37 (hg19) VCF-style: chr15-65369224-T-G.
Other names: short protein forms L24R.
Identifiers: ClinVar variation 3604196 (VCV003604196.2).